The following is an entry in ClinVar:

NM_014795.4(ZEB2):c.3430G>T (p.Gly1144Cys)

Gene: ZEB2 (zinc finger E-box binding homeobox 2; minus strand). Cytogenetic location: 2q22.3.
Variant type: single nucleotide variant.
Coding change: c.3430G>T on transcript NM_014795.4 (MANE Select); coding-DNA position 3430, G replaced by T.
Protein change: p.Gly1144Cys; replaces glycine 1144 with cysteine.
Molecular consequence: missense variant.
Genome position (GRCh38, 1-based): chr2:144,389,666, C>A on the plus strand (G>T on the coding strand, the complement: ZEB2 is on the minus strand). VCF-style: chr2-144389666-C-A. GRCh37 (hg19) VCF-style: chr2-145147233-C-A.
Other names: c.3358G>T, p.Gly1120Cys (NM_001171653.2); c.3430G>T (NM_014795.3); short protein forms G1144C, G1120C.
Identifiers: ClinVar variation 1482893 (VCV001482893.7), dbSNP rs1703128782, ClinGen allele CA348699318.

ClinVar aggregate classification (germline): Conflicting classifications of pathogenicity. Review status: criteria provided, conflicting classifications (1 of 4 stars). 2 submissions from 2 submitters: Uncertain significance (1); Likely benign (1). Last evaluated 2024-10-24.

Conditions:
Mowat-Wilson syndrome (MOWS). Also called: Classic Mowat-Wilson Syndrome. Identifiers: Orphanet 2152, MedGen C1856113, MONDO:0009341, OMIM 235730.

Submissions (2):

Labcorp Genetics (formerly Invitae), Labcorp
Classification: Likely benign for Mowat-Wilson syndrome. Last evaluated: 2024-10-24. Review status: criteria provided, single submitter. Criteria: Invitae Variant Classification Sherloc (09022015). Collection method: clinical testing. Allele origin: germline.

GeneDx
Classification: Uncertain significance. Last evaluated: 2024-04-30. Review status: criteria provided, single submitter. Criteria: GeneDx Variant Classification Process June 2021. Collection method: clinical testing. Allele origin: germline. Affected: yes.
Comment: Not observed at significant frequency in large population cohorts (gnomAD); In silico analysis indicates that this missense variant does not alter protein structure/function; Has not been previously published as pathogenic or benign to our knowledge